The following is an entry in ClinVar:

ClinVar aggregate classification (germline): Uncertain significance. Review status: criteria provided, multiple submitters, no conflicts (2 of 4 stars). 4 submissions from 4 submitters: Uncertain significance (4). Last evaluated 2024-09-16.

Conditions:
Dyskeratosis congenita, autosomal recessive 6 (DKCB6). Identifiers: MedGen C4225356, MONDO:0014600, OMIM 616353.
Pulmonary fibrosis and/or bone marrow failure, Telomere-related, 4. Also called: PULMONARY FIBROSIS AND/OR BONE MARROW FAILURE SYNDROME, TELOMERE-RELATED, 4. Identifiers: Orphanet 2032, MedGen C4225347, MONDO:0014612, OMIM 616371.
Inborn genetic diseases. Identifiers: MedGen C0950123, MeSH D030342.

Allele frequency attached by ClinVar (database versions not stated): gnomAD exomes 0.00003; ExAC 0.00004; ESP Exome Variant Server 0.00008; gnomAD 0.00010; TOPMed 0.00010; 1000 Genomes Project 30x 0.00016; 1000 Genomes Project 0.00020.
gnomAD v4.1: 52 of 1,613,208 alleles (0.0032%); highest among the groups gnomAD compares: African/African-American, 0.028%; no homozygotes.

Submissions (4):

St. Jude Molecular Pathology, St. Jude Children's Research Hospital
Classification: Uncertain significance for Dyskeratosis congenita, autosomal recessive 6. Last evaluated: 2024-09-16. Review status: criteria provided, single submitter. Criteria: St. Jude Assertion Criteria 2020. Collection method: clinical testing. Allele origin: germline.
Comment: The PARN c.1046G>A (p.Arg349Gln) missense change has a maximum subpopulation frequency of 0.03% in gnomAD v2.1.1. The in silico tool REVEL predicts a benign effect on protein function, but to our knowledge this prediction has not been confirmed by functional studies. To our knowledge, this variant has not been reported in individuals with dyskeratosis congenita. In summary, the evidence currently available is insufficient to determine the clinical significance of this variant. It has therefore been classified as of uncertain significance.

Fulgent Genetics
Classification: Uncertain significance for Dyskeratosis congenita, autosomal recessive 6; Pulmonary fibrosis and/or bone marrow failure, Telomere-related, 4. Last evaluated: 2024-01-24. Review status: criteria provided, single submitter. Criteria: ACMG Guidelines, 2015. Collection method: clinical testing. Allele origin: germline.

Labcorp Genetics (formerly Invitae), Labcorp
Classification: Uncertain significance for Dyskeratosis congenita, autosomal recessive 6; Pulmonary fibrosis and/or bone marrow failure, Telomere-related, 4. Last evaluated: 2023-05-07. Review status: criteria provided, single submitter. Criteria: Invitae Variant Classification Sherloc (09022015). Collection method: clinical testing. Allele origin: germline.
Comment: In summary, the available evidence is currently insufficient to determine the role of this variant in disease. Therefore, it has been classified as a Variant of Uncertain Significance. Advanced modeling of protein sequence and biophysical properties (such as structural, functional, and spatial information, amino acid conservation, physicochemical variation, residue mobility, and thermodynamic stability) performed at Invitae indicates that this missense variant is not expected to disrupt PARN protein function. ClinVar contains an entry for this variant (Variation ID: 1003129). This variant has not been reported in the literature in individuals affected with PARN-related conditions. This variant is present in population databases (rs201053607, gnomAD 0.03%). This sequence change replaces arginine, which is basic and polar, with glutamine, which is neutral and polar, at codon 349 of the PARN protein (p.Arg349Gln).

Ambry Genetics
Classification: Uncertain significance for Inborn genetic diseases. Last evaluated: 2022-12-27. Review status: criteria provided, single submitter. Criteria: Ambry Variant Classification Scheme 2023. Collection method: clinical testing. Allele origin: germline.

NM_002582.4(PARN):c.1046G>A (p.Arg349Gln)

Gene: PARN (poly(A)-specific ribonuclease; minus strand). Cytogenetic location: 16p13.12.
Variant type: single nucleotide variant.
Coding change: c.1046G>A on transcript NM_002582.4 (MANE Select); coding-DNA position 1046, G replaced by A.
Protein change: p.Arg349Gln; replaces arginine 349 with glutamine.
Molecular consequence: missense variant.
Genome position (GRCh38, 1-based): chr16:14,584,382, C>T on the plus strand (G>A on the coding strand, the complement: PARN is on the minus strand). VCF-style: chr16-14584382-C-T. GRCh37 (hg19) VCF-style: chr16-14678239-C-T.
Other names: c.863G>A, p.Arg288Gln (NM_001134477.3); c.908G>A, p.Arg303Gln (NM_001242992.2); c.1046G>A (NM_002582.3); short protein forms R288Q, R303Q, R349Q.
Identifiers: ClinVar variation 1003129 (VCV001003129.12), dbSNP rs201053607, ClinGen allele CA7912180.